The following is an entry in ClinVar:

ClinVar aggregate classification (germline): Likely pathogenic. Review status: criteria provided, multiple submitters, no conflicts (2 of 4 stars). 3 submissions from 3 submitters: Likely pathogenic (2). 1 of the submissions does not count toward it. Last evaluated 2026-01-08.

Conditions:
Glycogen storage disease, type V (GSD5). Also called: McArdle type glycogen storage disease; MCARDLE DISEASE; MUSCLE GLYCOGEN PHOSPHORYLASE DEFICIENCY; MYOPHOSPHORYLASE DEFICIENCY; PYGM DEFICIENCY. Identifiers: Orphanet 368, MedGen C0017924, MONDO:0009293, OMIM 232600.

Submissions (3):

Myriad Genetics, Inc.
Classification: Likely pathogenic for Glycogen storage disease, type V. Last evaluated: 2026-01-08. Review status: criteria provided, single submitter. Criteria: Myriad Autosomal Dominant, Autosomal Recessive and X-Linked Classification Criteria (2023). Collection method: clinical testing. Allele origin: unknown.
Comment: NM_005609.2(PYGM):c.1093-1G>T is a variant in a canonical splice site classified as likely pathogenic in the context of glycogen storage disease, PYGM-related. c.1093-1G>T has been observed in a case with relevant disease (PMID: 32560448). Relevant functional assessments of this variant are not available in the literature. c.1093-1G>T has been observed in referenced population frequency databases. In summary, NM_005609.2(PYGM):c.1093-1G>T is a variant in a canonical splice site that has been observed more frequently in cases with the relevant disease than in healthy populations. Please note: this variant was assessed in the context of healthy population screening.

Natera, Inc.
Classification: Likely pathogenic for Glycogen storage disease V. Last evaluated: 2024-08-26. Review status: criteria provided, single submitter. Criteria: Natera Variant Classification Schema (03/2026). Collection method: clinical testing. Allele origin: germline.
Comment: The c.1093-1G>T variant in PYGM is a canonical splice acceptor site variant predicted to affect pre-mRNA splicing, which may result in an abnormal transcript and altered protein product. This variant is expected to result in nonsense mediated decay, truncation, or a dysfunctional protein product. This variant is rare in the general population with a frequency below the threshold expected for the associated phenotype(s). Given the available evidence, this variant is classified as Likely Pathogenic.

Counsyl
Classification: Likely pathogenic for Glycogen storage disease, type V. Last evaluated: 2017-10-18. Review status: no assertion criteria provided. Collection method: clinical testing. Allele origin: unknown. Not counted in ClinVar's aggregate classification.

Literature cited by the submitters: PubMed 32560448 (cited by Myriad Genetics, Inc.); PubMed 16786513 (cited by Counsyl).

NM_005609.4(PYGM):c.1093-1G>T

Gene: PYGM (glycogen phosphorylase, muscle associated; minus strand). Cytogenetic location: 11q13.1.
Variant type: single nucleotide variant.
Coding change: c.1093-1G>T on transcript NM_005609.4 (MANE Select); the canonical splice acceptor site of the intron before coding-DNA position 1093, G replaced by T.
Molecular consequence: splice acceptor variant.
Genome position (GRCh38, 1-based): chr11:64,754,026, C>A on the plus strand (G>T on the coding strand, the complement: PYGM is on the minus strand). VCF-style: chr11-64754026-C-A. GRCh37 (hg19) VCF-style: chr11-64521498-C-A.
Other names: c.829-1G>T (NM_001164716.1); c.1093-1G>T (NM_005609.3).
Identifiers: ClinVar variation 554437 (VCV000554437.4), dbSNP rs1163710370, ClinGen allele CA381176916.
Genomic context (GRCh38, chr11:64,754,026, plus strand): 5'-GGCCTCGGGCAGCACCGTGTGGTTGGTGTAGGCACAGGTCCTCACTGTCACATCCCACGC[C>A]TGGCACACGGGGTGGGCAGTCAGGATGCTGACCTCAGCCCAGTGGGTCTCCTCACACACT-3'